The following is an entry in ClinVar:

ClinVar aggregate classification (germline): Pathogenic (1 of 4 stars; one submission).

Conditions:
Autoimmune lymphoproliferative syndrome type 2B. Also called: AUTOIMMUNE LYMPHOPROLIFERATIVE SYNDROME, TYPE IIB. Identifiers: Orphanet 275517, MedGen C1846545, MONDO:0011804, OMIM 607271.

Submission:

Labcorp Genetics (formerly Invitae), Labcorp
Classification: Pathogenic for Autoimmune lymphoproliferative syndrome type 2B. Last evaluated: 2024-01-09. Review status: criteria provided, single submitter. Criteria: Invitae Variant Classification Sherloc (09022015). Collection method: clinical testing. Allele origin: unknown.
Comment: This variant is a gross deletion of the genomic region encompassing exon(s) 3-4 of the CASP8 gene. This deletion is out-of-frame, and is expected to create a premature termination codon and result in an absent or disrupted protein product. Loss-of-function variants in CASP8 are known to be pathogenic (PMID: 12353035, 25814141). This variant has not been reported in the literature in individuals affected with CASP8-related conditions. For these reasons, this variant has been classified as Pathogenic.

Literature cited by the submitters: PubMed 12353035; PubMed 25814141.

NC_000002.11:g.(?_202131210)_(202134348_?)del

Gene: CASP8 (caspase 8; plus strand). Cytogenetic location: 2q33.1.
Variant type: Deletion.
Identifiers: ClinVar variation 3247246 (VCV003247246.1).